The following is an entry in ClinVar:

NM_001692.4(ATP6V1B1):c.195C>A (p.Ile65=)

Gene: ATP6V1B1 (ATPase H+ transporting V1 subunit B1; plus strand). Cytogenetic location: 2p13.3.
Variant type: single nucleotide variant.
Coding change: c.195C>A on transcript NM_001692.4 (MANE Select); coding-DNA position 195, C replaced by A.
Protein change: p.Ile65=; no amino-acid change (isoleucine 65 retained).
Molecular consequence: synonymous variant.
Genome position (GRCh38, 1-based): chr2:70,958,066, C>A. VCF-style: chr2-70958066-C-A. GRCh37 (hg19) VCF-style: chr2-71185196-C-A.
Identifiers: ClinVar variation 514413 (VCV000514413.15), dbSNP rs375489300, ClinGen allele CA1700950.

ClinVar aggregate classification (germline): Likely benign. Review status: criteria provided, multiple submitters, no conflicts (2 of 4 stars). 4 submissions from 4 submitters: Likely benign (3). 1 of the submissions does not count toward it. Last evaluated 2026-01-22.

Conditions:
ATP6V1B1-related disorder. Also called: ATP6V1B1-related condition.
Renal tubular acidosis with progressive nerve deafness. Also called: renal tubular acidosis, distal, 2, with progressive sensorineural hearing loss; RENAL TUBULAR ACIDOSIS, AUTOSOMAL RECESSIVE, WITH PROGRESSIVE NERVE DEAFNESS; RTA WITH PROGRESSIVE NERVE DEAFNESS; Distal Renal Tubular Acidosis with Progressive Sensorineural Deafness. Identifiers: MedGen C0403554, MONDO:0009968, OMIM 267300.

Allele frequency attached by ClinVar (database versions not stated): gnomAD exomes below 0.00001; ExAC 0.00001.

Submissions (4):

Labcorp Genetics (formerly Invitae), Labcorp
Classification: Likely benign. Last evaluated: 2026-01-22. Review status: criteria provided, single submitter. Criteria: Invitae Variant Classification Sherloc (09022015). Collection method: clinical testing. Allele origin: germline.

Fulgent Genetics
Classification: Likely benign for Renal tubular acidosis with progressive nerve deafness. Last evaluated: 2021-11-04. Review status: criteria provided, single submitter. Criteria: ACMG Guidelines, 2015. Collection method: clinical testing. Allele origin: unknown.

GeneDx
Classification: Likely benign. Last evaluated: 2018-01-05. Review status: criteria provided, single submitter. Criteria: GeneDx Variant Classification (06012015). Collection method: clinical testing. Allele origin: germline. Affected: yes.
Comment: This variant is considered likely benign or benign based on one or more of the following criteria: it is a conservative change, it occurs at a poorly conserved position in the protein, it is predicted to be benign by multiple in silico algorithms, and/or has population frequency not consistent with disease.

PreventionGenetics, part of Exact Sciences
Classification: Likely benign for ATP6V1B1-related condition. Last evaluated: 2020-12-15. Review status: no assertion criteria provided. Collection method: clinical testing. Allele origin: germline. Not counted in ClinVar's aggregate classification.
Comment: This variant is classified as likely benign based on ACMG/AMP sequence variant interpretation guidelines (Richards et al. 2015 PMID: 25741868, with internal and published modifications).